The following is an entry in ClinVar:

NM_018192.4(P3H2):c.196_216dup (p.Asp66_Arg72dup)

Gene: P3H2 (prolyl 3-hydroxylase 2; minus strand). Cytogenetic location: 3q28.
Variant type: Duplication.
Coding change: c.196_216dup on transcript NM_018192.4 (MANE Select); coding-DNA positions 196 to 216, 21 bases duplicated (GACTTGGAAGCGGCGCTGCGC).
Protein change: p.Asp66_Arg72dup.
Molecular consequence: inframe insertion. On other transcripts: intron variant (1).
Genome position (GRCh38, 1-based): chr3:190,120,516-190,120,536, GCGCAGCGCCGCTTCCAAGTC duplicated on the plus strand (GACTTGGAAGCGGCGCTGCGC on the coding strand, the reverse complement: P3H2 is on the minus strand); duplicating any 21 consecutive bases within chr3:190,120,516-190,120,541 gives the same sequence; the c. name uses the placement nearest the transcript's 3' end. VCF-style (leftmost placement, unchanged base first): chr3-190120515-T-TGCGCAGCGCCGCTTCCAAGTC. GRCh37 (hg19) VCF-style: chr3-189838304-T-TGCGCAGCGCCGCTTCCAAGTC.
Other names: c.-64+1667_-64+1687dup (NM_001134418.2).
Identifiers: ClinVar variation 1038594 (VCV001038594.5), dbSNP rs767583092, ClinGen allele CA1428640203.
Genomic context (GRCh38, chr3:190,120,515, plus strand): 5'-GGTGGCGCGCCGCGCAGTGGCGGGCACAGCGCGTGCGGATTTCCCGCAGGCGCCGGTGGC[T>TGCGCAGCGCCGCTTCCAAGTC]GCGCAGCGCCGCTTCCAAGTCGCGCACCGCTCGCTCGTAGTCTCCGCTGTAGTAGGCGGC-3'

ClinVar aggregate classification (germline): Uncertain significance (1 of 4 stars; one submission).

Submission:

Labcorp Genetics (formerly Invitae), Labcorp
Classification: Uncertain significance. Last evaluated: 2022-05-27. Review status: criteria provided, single submitter. Criteria: Invitae Variant Classification Sherloc (09022015). Collection method: clinical testing. Allele origin: germline.
Comment: In summary, the available evidence is currently insufficient to determine the role of this variant in disease. Therefore, it has been classified as a Variant of Uncertain Significance. Experimental studies and prediction algorithms are not available or were not evaluated, and the functional significance of this variant is currently unknown. ClinVar contains an entry for this variant (Variation ID: 1038594). This variant has not been reported in the literature in individuals affected with P3H2-related conditions. This variant is not present in population databases (gnomAD no frequency). This variant, c.196_216dup, results in the insertion of 7 amino acid(s) of the P3H2 protein (p.Asp66_Arg72dup), but otherwise preserves the integrity of the reading frame.